The following is an entry in ClinVar:

NM_000051.4(ATM):c.7742G>C (p.Ser2581Thr)

Genes: ATM (ATM serine/threonine kinase; plus strand), C11orf65 (chromosome 11 open reading frame 65; minus strand). Cytogenetic location: 11q22.3.
Variant type: single nucleotide variant.
Coding change: c.7742G>C on transcript NM_000051.4 (MANE Select); coding-DNA position 7742, G replaced by C.
Protein change: p.Ser2581Thr; replaces serine 2581 with threonine.
Molecular consequence: missense variant. On other transcripts: intron variant (2).
Genome position (GRCh38, 1-based): chr11:108,331,991, G>C. VCF-style: chr11-108331991-G-C. GRCh37 (hg19) VCF-style: chr11-108202718-G-C.
Other names: c.7742G>C, p.Ser2581Thr (NM_001351834.2); c.641-22920C>G (NM_001330368.2); c.*38+3229C>G (NM_001351110.2); short protein forms S2581T.
Identifiers: ClinVar variation 4747263 (VCV004747263.1).

ClinVar aggregate classification (germline): Uncertain significance (1 of 4 stars; one submission).

Conditions:
Ataxia-telangiectasia syndrome (AT). Also called: LOUIS-BAR SYNDROME; Cerebello-oculocutaneous telangiectasia; Immunodeficiency with ataxia telangiectasia; Ataxia-telangiectasia, complementation group D; AT, COMPLEMENTATION GROUP C; ATAXIA-TELANGIECTASIA, COMPLEMENTATION GROUP A. Identifiers: Orphanet 100, MedGen C0004135, MONDO:0008840, OMIM 208900.

Submission:

Labcorp Genetics (formerly Invitae), Labcorp
Classification: Uncertain significance for Ataxia-telangiectasia syndrome. Last evaluated: 2025-05-30. Review status: criteria provided, single submitter. Criteria: Invitae Variant Classification Sherloc (09022015). Collection method: clinical testing. Allele origin: germline.
Comment: This sequence change replaces serine, which is neutral and polar, with threonine, which is neutral and polar, at codon 2581 of the ATM protein (p.Ser2581Thr). This variant is not present in population databases (gnomAD no frequency). This variant has not been reported in the literature in individuals affected with ATM-related conditions. Invitae Evidence Modeling of protein sequence and biophysical properties (such as structural, functional, and spatial information, amino acid conservation, physicochemical variation, residue mobility, and thermodynamic stability) indicates that this missense variant is not expected to disrupt ATM protein function with a negative predictive value of 95%. In summary, the available evidence is currently insufficient to determine the role of this variant in disease. Therefore, it has been classified as a Variant of Uncertain Significance.